The following is an entry in ClinVar:

NM_033409.4(SLC52A3):c.314G>A (p.Ser105Asn)

Gene: SLC52A3 (solute carrier family 52 member 3; minus strand). Cytogenetic location: 20p13.
Variant type: single nucleotide variant.
Coding change: c.314G>A on transcript NM_033409.4 (MANE Select); coding-DNA position 314, G replaced by A.
Protein change: p.Ser105Asn; replaces serine 105 with asparagine.
Molecular consequence: missense variant.
Genome position (GRCh38, 1-based): chr20:765,461, C>T on the plus strand (G>A on the coding strand, the complement: SLC52A3 is on the minus strand). VCF-style: chr20-765461-C-T. GRCh37 (hg19) VCF-style: chr20-746105-C-T.
Other names: c.314G>A, p.Ser105Asn (NM_001370085.1, NM_001370086.1); short protein forms S105N.
Identifiers: ClinVar variation 1416444 (VCV001416444.5), dbSNP rs1375952258, ClinGen allele CA407964096.
Genomic context (GRCh38, chr20:765,461, plus strand): 5'-GTCACTGAAGAGGTGCAGTCCACCAGGGCCAGGAAGAAGGTGAGGACCAAGAAGGCGATG[C>T]TGTGGTGGCCGTCCAGCACCCAGGAGGTCATATTCCAGAGGAAGGCAAAGATGATGCAGG-3'
Protein context (NP_212134.3, residues 95-115): MTSWVLDGHH[Ser105Asn]IAFLVLTFFL

ClinVar aggregate classification (germline): Uncertain significance (1 of 4 stars; one submission).

Conditions:
Brown-Vialetto-van Laere syndrome 1. Also called: BROWN-VIALETTO-VAN LAERE SYNDROME 1, MILD; BULBAR PALSY, PROGRESSIVE, WITH SENSORINEURAL DEAFNESS; PONTOBULBAR PALSY WITH DEAFNESS. Identifiers: Orphanet 572550, Orphanet 97229, MedGen C0796274, MONDO:0024537, OMIM 211530.

Allele frequency attached by ClinVar (database versions not stated): gnomAD exomes below 0.00001.

Submission:

Labcorp Genetics (formerly Invitae), Labcorp
Classification: Uncertain significance for Brown-Vialetto-van Laere syndrome 1. Last evaluated: 2022-04-06. Review status: criteria provided, single submitter. Criteria: Invitae Variant Classification Sherloc (09022015). Collection method: clinical testing. Allele origin: germline.
Comment: This sequence change replaces serine, which is neutral and polar, with asparagine, which is neutral and polar, at codon 105 of the SLC52A3 protein (p.Ser105Asn). This variant is not present in population databases (gnomAD no frequency). This variant has not been reported in the literature in individuals affected with SLC52A3-related conditions. Algorithms developed to predict the effect of missense changes on protein structure and function (SIFT, PolyPhen-2, Align-GVGD) all suggest that this variant is likely to be disruptive. In summary, the available evidence is currently insufficient to determine the role of this variant in disease. Therefore, it has been classified as a Variant of Uncertain Significance.